The following is an entry in ClinVar:

ClinVar aggregate classification (germline): Uncertain significance. Review status: criteria provided, single submitter (1 of 4 stars). 2 submissions from 2 submitters: Uncertain significance (1). 1 of the submissions does not count toward it. Last evaluated 2022-08-29.

Conditions:
Plasminogen deficiency, type I. Also called: Hypoplasminogenemia; Type 1 plasminogen deficiency. Identifiers: Orphanet 722, MedGen C1968804, MONDO:0009009, OMIM 217090.

Submissions (2):

Labcorp Genetics (formerly Invitae), Labcorp
Classification: Uncertain significance. Last evaluated: 2022-08-29. Review status: criteria provided, single submitter. Criteria: Invitae Variant Classification Sherloc (09022015). Collection method: clinical testing. Allele origin: germline.
Comment: In summary, the available evidence is currently insufficient to determine the role of this variant in disease. Therefore, it has been classified as a Variant of Uncertain Significance. Experimental studies and prediction algorithms are not available or were not evaluated, and the functional significance of this variant is currently unknown. This variant is also known as del Lys212. This variant has been observed in individual(s) with autosomal recessive plasminogen deficiency (PMID: 10233898). In at least one individual the data is consistent with being in trans (on the opposite chromosome) from a pathogenic variant. It has also been observed to segregate with disease in related individuals. This variant is not present in population databases (gnomAD no frequency). This variant, c.693_695del, results in the deletion of 1 amino acid(s) of the PLG protein (p.Lys231del), but otherwise preserves the integrity of the reading frame.

OMIM
Classification: Pathogenic for PLASMINOGEN DEFICIENCY, TYPE I. Last evaluated: 1999-05-15. Review status: no assertion criteria provided. Collection method: literature only. Allele origin: germline. Not counted in ClinVar's aggregate classification.

Literature cited by the submitters: PubMed 10233898 (cited by Labcorp Genetics (formerly Invitae), Labcorp and OMIM); PubMed 3723296 (cited by OMIM).

NM_000301.5(PLG):c.687GAA[2] (p.Lys231del)

Gene: PLG (plasminogen; plus strand). Cytogenetic location: 6q26.
Variant type: Microsatellite.
Coding change: c.687GAA[2] on transcript NM_000301.5 (MANE Select); two copies in a row of the 3-base unit GAA starting at c.687; the reference has three copies in a row; one copy, 3 bases deleted.
Protein change: p.Lys231del; deletes lysine 231.
Molecular consequence: inframe deletion.
Genome position (GRCh38, 1-based): chr6:160,716,669-160,716,671, GAA deleted; deleting any 3 consecutive bases within chr6:160,716,663-160,716,671 gives the same sequence; the position shown is the placement nearest the transcript's 3' end. VCF-style (leftmost placement, unchanged base first): chr6-160716662-TGAA-T. GRCh37 (hg19) VCF-style: chr6-161137694-TGAA-T.
Other names: K212del; K231delK; short protein forms K231del.
Identifiers: ClinVar variation 13581 (VCV000013581.6), dbSNP rs121918034, ClinGen allele CA123279.